The following is an entry in ClinVar:

NM_001007157.2(PHF14):c.1195G>C (p.Asp399His)

Gene: PHF14 (PHD finger protein 14; plus strand). Cytogenetic location: 7p21.3.
Variant type: single nucleotide variant.
Coding change: c.1195G>C on transcript NM_001007157.2 (MANE Select); coding-DNA position 1195, G replaced by C.
Protein change: p.Asp399His; replaces aspartic acid 399 with histidine.
Molecular consequence: missense variant. On other transcripts: non-coding transcript variant (2).
Genome position (GRCh38, 1-based): chr7:11,013,896, G>C. VCF-style: chr7-11013896-G-C. GRCh37 (hg19) VCF-style: chr7-11053523-G-C.
Other names: c.1195G>C, p.Asp399His (NM_014660.4); short protein forms D399H.
Identifiers: ClinVar variation 2672225 (VCV002672225.1), dbSNP rs2533645632, ClinGen allele CA366837780.

ClinVar aggregate classification (germline): Uncertain significance (1 of 4 stars; one submission).

Submission:

Clinical Genomics Laboratory, Washington University in St. Louis
Classification: Uncertain significance. Last evaluated: 2023-08-24. Review status: criteria provided, single submitter. Criteria: ACMG Guidelines, 2015. Collection method: clinical testing. Allele origin: germline.
Comment: The PHF14 c.1195G>C (p.Asp399His) variant, to our knowledge, has not been reported in the medical literature. The variant is absent from the general population (gnomAD v2.1.1), indicating it is not a common variant. Computational predictors indicate that the variant is damaging, evidence that correlates with impact to PHF14 function. This variant changes a positively charged aspartic acid to a negatively charged histidine. Due to limited information, the clinical significance of this variant is uncertain.